The following is an entry in ClinVar:

NM_003735.3(PCDHGA12):c.1110T>C (p.Asn370=)

Genes: PCDHG@ (protocadherin gamma cluster; plus strand), PCDHGA1 (protocadherin gamma subfamily A, 1; plus strand), PCDHGA10 (protocadherin gamma subfamily A, 10; plus strand), PCDHGA11 (protocadherin gamma subfamily A, 11; plus strand), PCDHGA12 (protocadherin gamma subfamily A, 12; plus strand) and 15 more. Cytogenetic location: 5q31.3.
Variant type: single nucleotide variant.
Coding change: c.1110T>C on transcript NM_003735.3 (MANE Select); coding-DNA position 1110, T replaced by C.
Protein change: p.Asn370=; no amino-acid change (asparagine 370 retained).
Molecular consequence: synonymous variant. On other transcripts: intron variant (19).
Genome position (GRCh38, 1-based): chr5:141,431,869, T>C. VCF-style: chr5-141431869-T-C. GRCh37 (hg19) VCF-style: chr5-140811436-T-C.
Other names: c.2424+46546T>C (NM_018920.4); c.2397+41588T>C (NM_003736.4); c.2424+36632T>C (NM_032088.2); c.2397+31345T>C (NM_018925.3); c.2424+26493T>C (NM_018921.3); c.2418+21249T>C (NM_018926.3); c.2436+16258T>C (NM_018913.3); c.2415+11595T>C (NM_018927.4); and 9 more.
Identifiers: ClinVar variation 2655863 (VCV002655863.24), dbSNP rs140856757, ClinGen allele CA3476873.

ClinVar aggregate classification (germline): Likely benign (1 of 4 stars; one submission).

Allele frequency attached by ClinVar (database versions not stated): 1000 Genomes Project 30x 0.00031; 1000 Genomes Project 0.00040; ExAC 0.00049; gnomAD 0.00074; TOPMed 0.00080; gnomAD exomes 0.00088; ESP Exome Variant Server 0.00100.
gnomAD v4.1: 1,376 of 1,614,252 alleles (0.085%); highest among the groups gnomAD compares: Non-Finnish European, 0.11%; 2 homozygotes.

Submission:

CeGaT Center for Human Genetics Tuebingen
Classification: Likely benign. Last evaluated: 2022-07-01. Review status: criteria provided, single submitter. Criteria: CeGaT Center For Human Genetics Tuebingen Variant Classification Criteria Version 2. Collection method: clinical testing. Allele origin: germline. Affected: yes. Observed: 1 variant allele.
Comment: PCDHGA12: BP4, BP7